The following is an entry in ClinVar:

ClinVar aggregate classification (germline): Conflicting classifications of pathogenicity. Review status: criteria provided, conflicting classifications (1 of 4 stars). 10 submissions from 9 submitters: Uncertain significance (2); Benign (1); Likely benign (7). Last evaluated 2026-04-09.

Conditions:
DNM2-related disorder. Also called: DNM2-related condition.
Autosomal dominant centronuclear myopathy. Also called: MYOTUBULAR MYOPATHY, AUTOSOMAL DOMINANT; Myopathy, centronuclear, 3. Identifiers: Orphanet 169189, MedGen C4551952, MeSH D020914, MONDO:0008048, OMIM 160150.
Charcot-Marie-Tooth disease dominant intermediate B (CMTDIB). Also called: CHARCOT-MARIE-TOOTH NEUROPATHY, DOMINANT INTERMEDIATE B; Charcot-Marie-Tooth disease dominant intermediate 1; CMT DI1; Charcot-Marie-Tooth disease dominant intermediate I. Identifiers: Orphanet 100044, Orphanet 228179, MedGen C1847902, MONDO:0011674, OMIM 606482.
Inborn genetic diseases. Identifiers: MedGen C0950123, MeSH D030342.

Allele frequency attached by ClinVar (database versions not stated): ExAC 0.00005; gnomAD exomes 0.00006 and 0.00021; gnomAD 0.00007 and 0.00009; TOPMed 0.00010; ESP Exome Variant Server 0.00023.
gnomAD v4.1: 319 of 1,614,046 alleles (0.02%); highest among the groups gnomAD compares: Non-Finnish European, 0.025%; no homozygotes.

Submissions (10):

Women's Health and Genetics/Laboratory Corporation of America, LabCorp
Classification: Benign. Last evaluated: 2026-04-09. Review status: criteria provided, single submitter. Criteria: LabCorp Variant Classification Summary - May 2015. Collection method: clinical testing. Allele origin: germline.

Labcorp Genetics (formerly Invitae), Labcorp
Classification: Likely benign for Charcot-Marie-Tooth disease dominant intermediate B. Last evaluated: 2025-12-22. Review status: criteria provided, single submitter. Criteria: Invitae Variant Classification Sherloc (09022015). Collection method: clinical testing. Allele origin: germline.

PreventionGenetics, part of Exact Sciences
Classification: Likely benign for DNM2-related condition. Last evaluated: 2025-11-25. Review status: criteria provided, single submitter. Criteria: ACMG Guidelines, 2015. Collection method: clinical testing. Allele origin: germline.
Comment: This variant is classified as likely benign based on ACMG/AMP sequence variant interpretation guidelines (Richards et al. 2015 PMID: 25741868, with internal and published modifications).

CeGaT Center for Human Genetics Tuebingen
Classification: Likely benign. Last evaluated: 2024-09-01. Review status: criteria provided, single submitter. Criteria: CeGaT Center For Human Genetics Tuebingen Variant Classification Criteria Version 2. Collection method: clinical testing. Allele origin: germline. Affected: yes. Observed: 2 variant alleles.
Comment: DNM2: BP4, BP7

GeneDx
Classification: Likely benign. Last evaluated: 2020-01-03. Review status: criteria provided, single submitter. Criteria: GeneDx Variant Classification Process June 2021. Collection method: clinical testing. Allele origin: germline. Affected: yes.

Ambry Genetics
Classification: Likely benign for Inborn genetic diseases. Last evaluated: 2019-07-11. Review status: criteria provided, single submitter. Criteria: Ambry Variant Classification Scheme 2023. Collection method: clinical testing. Allele origin: germline.

Illumina Laboratory Services, Illumina
Classification: Uncertain significance for Autosomal dominant centronuclear myopathy. Last evaluated: 2018-01-12. Review status: criteria provided, single submitter. Criteria: ICSL Variant Classification Criteria 13 December 2019. Collection method: clinical testing. Allele origin: germline.

Illumina Laboratory Services, Illumina
Classification: Uncertain significance for Charcot-Marie-Tooth disease dominant intermediate B. Last evaluated: 2018-01-12. Review status: criteria provided, single submitter. Criteria: ICSL Variant Classification Criteria 13 December 2019. Collection method: clinical testing. Allele origin: germline.

Athena Diagnostics
Classification: Likely benign. Last evaluated: 2016-09-27. Review status: criteria provided, single submitter. Criteria: Athena Diagnostics Criteria. Collection method: clinical testing. Allele origin: germline.

Genetic Services Laboratory, University of Chicago
Classification: Likely benign. Last evaluated: 2015-12-11. Review status: criteria provided, single submitter. Criteria: ACMG Guidelines, 2015. Collection method: clinical testing. Allele origin: germline. Affected: no.

NM_001005361.3(DNM2):c.633C>T (p.Asp211=)

Gene: DNM2 (dynamin 2; plus strand). Cytogenetic location: 19p13.2.
Variant type: single nucleotide variant.
Coding change: c.633C>T on transcript NM_001005361.3 (MANE Select); coding-DNA position 633, C replaced by T.
Protein change: p.Asp211=; no amino-acid change (aspartic acid 211 retained).
Molecular consequence: synonymous variant.
Genome position (GRCh38, 1-based): chr19:10,777,161, C>T. VCF-style: chr19-10777161-C-T. GRCh37 (hg19) VCF-style: chr19-10887837-C-T.
Other names: c.633C>T, p.Asp211= (NM_001005360.3, NM_001005362.3, NM_001190716.2 and 1 more transcripts).
Identifiers: ClinVar variation 327976 (VCV000327976.66), dbSNP rs200191870, ClinGen allele CA9200844.